The following is an entry in ClinVar:

NM_006231.4(POLE):c.2212A>G (p.Lys738Glu)

Gene: POLE (DNA polymerase epsilon, catalytic subunit; minus strand). Cytogenetic location: 12q24.33.
Variant type: single nucleotide variant.
Coding change: c.2212A>G on transcript NM_006231.4 (MANE Select); coding-DNA position 2212, A replaced by G.
Protein change: p.Lys738Glu; replaces lysine 738 with glutamic acid.
Molecular consequence: missense variant.
Genome position (GRCh38, 1-based): chr12:132,667,610, T>C on the plus strand (A>G on the coding strand, the complement: POLE is on the minus strand). VCF-style: chr12-132667610-T-C. GRCh37 (hg19) VCF-style: chr12-133244196-T-C.
Other names: c.2212A>G (NM_006231.2); short protein forms K738E.
Identifiers: ClinVar variation 1365143 (VCV001365143.9), dbSNP rs2135970713, ClinGen allele CA387352292.

ClinVar aggregate classification (germline): Uncertain significance. Review status: criteria provided, multiple submitters, no conflicts (2 of 4 stars). 2 submissions from 2 submitters: Uncertain significance (2). Last evaluated 2023-04-16.

Conditions:
Hereditary cancer-predisposing syndrome. Also called: Neoplastic Syndromes, Hereditary; Tumor predisposition; Hereditary neoplastic syndrome; Hereditary Cancer Syndrome. Identifiers: Orphanet 140162, MedGen C0027672, MeSH D009386, MONDO:0015356.

Submissions (2):

Ambry Genetics
Classification: Uncertain significance for Hereditary cancer-predisposing syndrome. Last evaluated: 2023-04-16. Review status: criteria provided, single submitter. Criteria: Ambry Variant Classification Scheme 2023. Collection method: clinical testing. Allele origin: germline.
Comment: The p.K738E variant (also known as c.2212A>G), located in coding exon 20 of the POLE gene, results from an A to G substitution at nucleotide position 2212. The lysine at codon 738 is replaced by glutamic acid, an amino acid with similar properties. This amino acid position is conserved. In addition, this alteration is predicted to be tolerated by in silico analysis. Since supporting evidence is limited at this time, the clinical significance of this alteration remains unclear.

Labcorp Genetics (formerly Invitae), Labcorp
Classification: Uncertain significance. Last evaluated: 2021-01-16. Review status: criteria provided, single submitter. Criteria: Invitae Variant Classification Sherloc (09022015). Collection method: clinical testing. Allele origin: germline.
Comment: This sequence change replaces lysine with glutamic acid at codon 738 of the POLE protein (p.Lys738Glu). The lysine residue is moderately conserved and there is a small physicochemical difference between lysine and glutamic acid. This variant is not present in population databases (ExAC no frequency). This variant has not been reported in the literature in individuals with POLE-related conditions. Algorithms developed to predict the effect of missense changes on protein structure and function (SIFT, PolyPhen-2, Align-GVGD) all suggest that this variant is likely to be tolerated, but these predictions have not been confirmed by published functional studies and their clinical significance is uncertain. In summary, the available evidence is currently insufficient to determine the role of this variant in disease. Therefore, it has been classified as a Variant of Uncertain Significance.